The following is an entry in ClinVar:

ClinVar aggregate classification (germline): Uncertain significance. Review status: criteria provided, multiple submitters, no conflicts (2 of 4 stars). 2 submissions from 2 submitters: Uncertain significance (2). Last evaluated 2025-12-04.

Conditions:
Inborn genetic diseases. Identifiers: MedGen C0950123, MeSH D030342.

Allele frequency attached by ClinVar (database versions not stated): gnomAD exomes below 0.00001.
gnomAD v4.1: 1 of 1,551,108 alleles (0.000064%); highest among the groups gnomAD compares: Non-Finnish European, 0.000087%; no homozygotes.

Submissions (2):

Ambry Genetics
Classification: Uncertain significance for Inborn genetic diseases. Last evaluated: 2025-12-04. Review status: criteria provided, single submitter. Criteria: Ambry Variant Classification Scheme 2023. Collection method: clinical testing. Allele origin: germline.

Labcorp Genetics (formerly Invitae), Labcorp
Classification: Uncertain significance. Last evaluated: 2022-04-22. Review status: criteria provided, single submitter. Criteria: Invitae Variant Classification Sherloc (09022015). Collection method: clinical testing. Allele origin: germline.
Comment: In summary, the available evidence is currently insufficient to determine the role of this variant in disease. Therefore, it has been classified as a Variant of Uncertain Significance. Algorithms developed to predict the effect of missense changes on protein structure and function are either unavailable or do not agree on the potential impact of this missense change (SIFT: "Not Available"; PolyPhen-2: "Benign"; Align-GVGD: "Not Available"). This variant has not been reported in the literature in individuals affected with UNC80-related conditions. This variant is not present in population databases (gnomAD no frequency). This sequence change replaces arginine, which is basic and polar, with serine, which is neutral and polar, at codon 2383 of the UNC80 protein (p.Arg2383Ser).

NM_001371986.1(UNC80):c.7347G>T (p.Arg2449Ser)

Gene: UNC80 (unc-80 subunit of NALCN channel complex; plus strand). Cytogenetic location: 2q34.
Variant type: single nucleotide variant.
Coding change: c.7347G>T on transcript NM_001371986.1 (MANE Select); coding-DNA position 7347, G replaced by T.
Protein change: p.Arg2449Ser; replaces arginine 2449 with serine.
Molecular consequence: missense variant.
Genome position (GRCh38, 1-based): chr2:209,954,160, G>T. VCF-style: chr2-209954160-G-T. GRCh37 (hg19) VCF-style: chr2-210818884-G-T.
Other names: c.7149G>T, p.Arg2383Ser (NM_032504.2); c.7134G>T, p.Arg2378Ser (NM_182587.4); c.7149G>T (NM_032504.1); short protein forms R2449S, R2378S, R2383S.
Identifiers: ClinVar variation 2178109 (VCV002178109.4), dbSNP rs2471194717, ClinGen allele CA350775373.